The following is an entry in ClinVar:

ClinVar aggregate classification (germline): Uncertain significance (1 of 4 stars; one submission).

Conditions:
Hereditary cancer-predisposing syndrome. Also called: Neoplastic Syndromes, Hereditary; Tumor predisposition; Hereditary Cancer Syndrome; Hereditary neoplastic syndrome. Identifiers: Orphanet 140162, MedGen C0027672, MeSH D009386, MONDO:0015356.

gnomAD v4.1: 1 of 1,600,540 alleles (0.000062%); no homozygotes.

Submission:

Ambry Genetics
Classification: Uncertain significance for Hereditary cancer-predisposing syndrome. Last evaluated: 2022-05-04. Review status: criteria provided, single submitter. Criteria: Ambry Variant Classification Scheme 2023. Collection method: clinical testing. Allele origin: germline.
Comment: The p.Q1342L variant (also known as c.4025A>T), located in coding exon 33 of the TSC2 gene, results from an A to T substitution at nucleotide position 4025. The glutamine at codon 1342 is replaced by leucine, an amino acid with dissimilar properties. This amino acid position is conserved. In addition, this alteration is predicted to be deleterious by in silico analysis. Since supporting evidence is limited at this time, the clinical significance of this alteration remains unclear.

NM_000548.5(TSC2):c.4025A>T (p.Gln1342Leu)

Gene: TSC2 (TSC complex subunit 2; plus strand). Cytogenetic location: 16p13.3.
Variant type: single nucleotide variant.
Coding change: c.4025A>T on transcript NM_000548.5 (MANE Select); coding-DNA position 4025, A replaced by T.
Protein change: p.Gln1342Leu; replaces glutamine 1342 with leucine.
Molecular consequence: missense variant.
Genome position (GRCh38, 1-based): chr16:2,084,247, A>T. VCF-style: chr16-2084247-A-T. GRCh37 (hg19) VCF-style: chr16-2134248-A-T.
Other names: c.3857A>T, p.Gln1286Leu (NM_001318832.2); c.3893A>T, p.Gln1298Leu (NM_001370404.1); c.4022A>T, p.Gln1341Leu (NM_001406663.1); c.3827A>T, p.Gln1276Leu (NM_001363528.2); c.3896A>T, p.Gln1299Leu (NM_001370405.1, NM_021055.3); c.3953A>T, p.Gln1318Leu (NM_001406664.1); c.3947A>T, p.Gln1316Leu (NM_001406665.1); c.3917A>T, p.Gln1306Leu (NM_001406667.1); and 26 more; short protein forms Q1238L, Q1239L, Q1271L, Q1286L, Q1298L, Q1299L, Q828L, Q850L.
Identifiers: ClinVar variation 1737138 (VCV001737138.2), dbSNP rs1060500951, ClinGen allele CA394299225.